The following is an entry in ClinVar:

ClinVar aggregate classification (germline): Likely benign (0 of 4 stars; one submission).

Conditions:
PLXNA1-related disorder. Also called: PLXNA1-related condition.

Submission:

PreventionGenetics, part of Exact Sciences
Classification: Likely benign for PLXNA1-related condition. Last evaluated: 2022-08-25. Review status: no assertion criteria provided. Collection method: clinical testing. Allele origin: germline.
Comment: This variant is classified as likely benign based on ACMG/AMP sequence variant interpretation guidelines (Richards et al. 2015 PMID: 25741868, with internal and published modifications).

NM_032242.4(PLXNA1):c.5073G>A (p.Gln1691=)

Gene: PLXNA1 (plexin A1; plus strand). Cytogenetic location: 3q21.3.
Variant type: single nucleotide variant.
Coding change: c.5073G>A on transcript NM_032242.4 (MANE Select); coding-DNA position 5073, G replaced by A.
Protein change: p.Gln1691=; no amino-acid change (glutamine 1691 retained).
Molecular consequence: synonymous variant.
Genome position (GRCh38, 1-based): chr3:127,030,254, G>A. VCF-style: chr3-127030254-G-A. GRCh37 (hg19) VCF-style: chr3-126749097-G-A.
Identifiers: ClinVar variation 3353394 (VCV003353394.1).